The following is an entry in ClinVar:

NM_001142800.2(EYS):c.1182C>A (p.Cys394Ter)

Gene: EYS (EGF-like photoreceptor maintenance factor; minus strand). Cytogenetic location: 6q12.
Variant type: single nucleotide variant.
Coding change: c.1182C>A on transcript NM_001142800.2 (MANE Select); coding-DNA position 1182, C replaced by A.
Protein change: p.Cys394Ter; replaces cysteine 394 with a stop codon.
Molecular consequence: nonsense.
Genome position (GRCh38, 1-based): chr6:65,402,480, G>T on the plus strand (C>A on the coding strand, the complement: EYS is on the minus strand). VCF-style: chr6-65402480-G-T. GRCh37 (hg19) VCF-style: chr6-66112373-G-T.
Other names: c.1182C>A, p.Cys394Ter (NM_001142801.2, NM_001292009.2, NM_198283.2); short protein forms C394*.
Identifiers: ClinVar variation 2801858 (VCV002801858.3), dbSNP rs1311395605, ClinGen allele CA364662252.
Genomic context (GRCh38, chr6:65,402,480, plus strand): 5'-CACATGATTTAAAAATCCATGTACTTTGTATTAAAAATAAACAGAAAATTAATTATACCT[G>T]CAAGGATAATCTTTCTCACATTTCTTACATGTAGCATTATTCCTCAAAGGAAATGACTCA-3'

ClinVar aggregate classification (germline): Pathogenic (1 of 4 stars; one submission).

Submission:

Labcorp Genetics (formerly Invitae), Labcorp
Classification: Pathogenic. Last evaluated: 2023-05-28. Review status: criteria provided, single submitter. Criteria: Invitae Variant Classification Sherloc (09022015). Collection method: clinical testing. Allele origin: germline.
Comment: This sequence change creates a premature translational stop signal (p.Cys394*) in the EYS gene. It is expected to result in an absent or disrupted protein product. Loss-of-function variants in EYS are known to be pathogenic (PMID: 18836446, 20333770). This variant is not present in population databases (gnomAD no frequency). This variant has not been reported in the literature in individuals affected with EYS-related conditions. For these reasons, this variant has been classified as Pathogenic.

Literature cited by the submitters: PubMed 18836446; PubMed 20333770.